The following is an entry in ClinVar:

ClinVar aggregate classification (germline): Uncertain significance. Review status: criteria provided, multiple submitters, no conflicts (2 of 4 stars). 3 submissions from 3 submitters: Uncertain significance (3). Last evaluated 2025-09-28.

Conditions:
Inborn genetic diseases. Identifiers: MedGen C0950123, MeSH D030342.

Allele frequency attached by ClinVar (database versions not stated): gnomAD 0.00006 and 0.00007; TOPMed 0.00006; ESP Exome Variant Server 0.00008; ExAC 0.00009.

Submissions (3):

Ambry Genetics
Classification: Uncertain significance for Inborn genetic diseases. Last evaluated: 2025-09-28. Review status: criteria provided, single submitter. Criteria: Ambry Variant Classification Scheme 2023. Collection method: clinical testing. Allele origin: germline.

CeGaT Center for Human Genetics Tuebingen
Classification: Uncertain significance. Last evaluated: 2022-11-01. Review status: criteria provided, single submitter. Criteria: CeGaT Center For Human Genetics Tuebingen Variant Classification Criteria Version 2. Collection method: clinical testing. Allele origin: germline. Affected: yes. Observed: 1 variant allele.
Comment: SPEG: PM2, BP4

Labcorp Genetics (formerly Invitae), Labcorp
Classification: Uncertain significance. Last evaluated: 2022-06-27. Review status: criteria provided, single submitter. Criteria: Invitae Variant Classification Sherloc (09022015). Collection method: clinical testing. Allele origin: germline.
Comment: This sequence change replaces valine, which is neutral and non-polar, with isoleucine, which is neutral and non-polar, at codon 2662 of the SPEG protein (p.Val2662Ile). This variant is present in population databases (rs374618068, gnomAD 0.01%). This variant has not been reported in the literature in individuals affected with SPEG-related conditions. Algorithms developed to predict the effect of missense changes on protein structure and function are either unavailable or do not agree on the potential impact of this missense change (SIFT: "Tolerated"; PolyPhen-2: "Probably Damaging"; Align-GVGD: "Class C0"). In summary, the available evidence is currently insufficient to determine the role of this variant in disease. Therefore, it has been classified as a Variant of Uncertain Significance.

NM_005876.5(SPEG):c.7984G>A (p.Val2662Ile)

Genes: ASIC4-AS1 (ASIC4 antisense RNA 1; minus strand), SPEG (striated muscle enriched protein kinase; plus strand). Cytogenetic location: 2q35.
Variant type: single nucleotide variant.
Coding change: c.7984G>A on transcript NM_005876.5 (MANE Select); coding-DNA position 7984, G replaced by A.
Protein change: p.Val2662Ile; replaces valine 2662 with isoleucine.
Molecular consequence: missense variant.
Genome position (GRCh38, 1-based): chr2:219,488,623, G>A. VCF-style: chr2-219488623-G-A. GRCh37 (hg19) VCF-style: chr2-220353345-G-A.
Other names: c.7984G>A (NM_005876.4); short protein forms V2662I.
Identifiers: ClinVar variation 1401001 (VCV001401001.26), dbSNP rs374618068, ClinGen allele CA2127349.